The following is an entry in ClinVar:

NM_144670.6(A2ML1):c.1068del (p.Phe357fs)

Gene: A2ML1 (alpha-2-macroglobulin like 1; plus strand). Cytogenetic location: 12p13.31.
Variant type: Deletion.
Coding change: c.1068del on transcript NM_144670.6 (MANE Select); coding-DNA position 1068, one base deleted (C; older notation c.1068delC).
Protein change: p.Phe357fs; shifts the reading frame from phenylalanine 357.
Molecular consequence: frameshift variant.
Genome position (GRCh38, 1-based): chr12:8,839,210, C deleted; the last of 4 consecutive C bases (chr12:8,839,207-8,839,210); deleting any one gives the same sequence. VCF-style (leftmost placement, unchanged base first): chr12-8839206-TC-T. GRCh37 (hg19) VCF-style: chr12-8991802-TC-T.
Other names: short protein forms F357fs.
Identifiers: ClinVar variation 2033303 (VCV002033303.4), dbSNP rs2539213133, ClinGen allele CA2580086317.

ClinVar aggregate classification (germline): Uncertain significance (1 of 4 stars; one submission).

Submission:

Labcorp Genetics (formerly Invitae), Labcorp
Classification: Uncertain significance. Last evaluated: 2022-09-29. Review status: criteria provided, single submitter. Criteria: Invitae Variant Classification Sherloc (09022015). Collection method: clinical testing. Allele origin: germline.
Comment: In summary, the available evidence is currently insufficient to determine the role of this variant in disease. Therefore, it has been classified as a Variant of Uncertain Significance. This variant has not been reported in the literature in individuals affected with A2ML1-related conditions. This variant is not present in population databases (gnomAD no frequency). This sequence change creates a premature translational stop signal (p.Phe357Serfs*5) in the A2ML1 gene. It is expected to result in an absent or disrupted protein product. However, the current clinical and genetic evidence is not sufficient to establish whether loss-of-function variants in A2ML1 cause disease.